The following is an entry in ClinVar:

NM_033056.3:c.+15212A>C

Gene: PCDH15 (protocadherin related 15; minus strand). Cytogenetic location: 10q21.1.
Variant type: single nucleotide variant.
Other names: p.Q1656P:CAG>CCG.
Identifiers: ClinVar variation 138589 (VCV000138589.1).

ClinVar aggregate classification (germline): Benign (1 of 4 stars; one submission).

Submission:

GeneDx
Classification: Benign. Last evaluated: 2012-11-27. Review status: criteria provided, single submitter. Criteria: GeneDx Variant Classification (06012015). Collection method: clinical testing. Allele origin: germline.
Comment: The variant is found in USHER panel(s).